The following is an entry in ClinVar:

ClinVar aggregate classification (germline): Uncertain significance. Review status: criteria provided, multiple submitters, no conflicts (2 of 4 stars). 2 submissions from 2 submitters: Uncertain significance (2). Last evaluated 2025-03-27.

Conditions:
RAB23-related disorder. Also called: RAB23-related condition.
Inborn genetic diseases. Identifiers: MedGen C0950123, MeSH D030342.

Allele frequency attached by ClinVar (database versions not stated): gnomAD exomes 0.00001.
gnomAD v4.1: 16 of 1,613,990 alleles (0.00099%); highest among the groups gnomAD compares: Non-Finnish European, 0.0014%; no homozygotes.

Submissions (2):

PreventionGenetics, part of Exact Sciences
Classification: Uncertain significance for RAB23-related condition. Last evaluated: 2025-03-27. Review status: criteria provided, single submitter. Criteria: ACMG Guidelines, 2015. Collection method: clinical testing. Allele origin: germline.
Comment: The RAB23 c.86A>G variant is predicted to result in the amino acid substitution p.Tyr29Cys. To our knowledge, this variant has not been reported in the literature. This variant is reported in 0.00088% of alleles in individuals of European (Non-Finnish) descent in gnomAD. At this time, the clinical significance of this variant is uncertain due to the absence of conclusive functional and genetic evidence.

Ambry Genetics
Classification: Uncertain significance for Inborn genetic diseases. Last evaluated: 2023-08-14. Review status: criteria provided, single submitter. Criteria: Ambry Variant Classification Scheme 2023. Collection method: clinical testing. Allele origin: germline.

NM_016277.5(RAB23):c.86A>G (p.Tyr29Cys)

Gene: RAB23 (RAB23, member RAS oncogene family; minus strand). Cytogenetic location: 6p11.2.
Variant type: single nucleotide variant.
Coding change: c.86A>G on transcript NM_016277.5 (MANE Select); coding-DNA position 86, A replaced by G.
Protein change: p.Tyr29Cys; replaces tyrosine 29 with cysteine.
Molecular consequence: missense variant. On other transcripts: non-coding transcript variant (1).
Genome position (GRCh38, 1-based): chr6:57,210,295, T>C on the plus strand (A>G on the coding strand, the complement: RAB23 is on the minus strand). VCF-style: chr6-57210295-T-C. GRCh37 (hg19) VCF-style: chr6-57075093-T-C.
Other names: c.86A>G, p.Tyr29Cys (NM_001278667.2, NM_001278668.2, NM_183227.3 and 1 more transcripts); c.86A>G (NM_183227.2); short protein forms Y29C.
Identifiers: ClinVar variation 2618336 (VCV002618336.3), dbSNP rs1278352541, ClinGen allele CA364626977.